The following is an entry in ClinVar:

ClinVar aggregate classification (germline): Pathogenic (1 of 4 stars; one submission).

Submission:

Labcorp Genetics (formerly Invitae), Labcorp
Classification: Pathogenic. Last evaluated: 2020-06-06. Review status: criteria provided, single submitter. Criteria: Invitae Variant Classification Sherloc (09022015). Collection method: clinical testing. Allele origin: germline.
Comment: This sequence change creates a premature translational stop signal (p.Asp663*) in the PHEX gene. It is expected to result in an absent or disrupted protein product. For these reasons, this variant has been classified as Pathogenic. Loss-of-function variants in PHEX are known to be pathogenic (PMID: 9097956, 9106524, 19219621). This variant has not been reported in the literature in individuals with PHEX-related conditions. This variant is not present in population databases (ExAC no frequency).

Literature cited by the submitters: PubMed 9097956; PubMed 9106524; PubMed 19219621.

NM_000444.6(PHEX):c.1982_1986dup (p.Asp663Ter)

Genes: PHEX (phosphate regulating endopeptidase X-linked; plus strand), PTCHD1-AS (PTCHD1 and PHEX antisense RNA; minus strand). Cytogenetic location: Xp22.11.
Variant type: Duplication.
Coding change: c.1982_1986dup on transcript NM_000444.6 (MANE Select); coding-DNA positions 1982 to 1986, 5 bases duplicated (TAAAT; older notation c.1982_1986dupTAAAT).
Protein change: p.Asp663Ter; replaces aspartic acid 663 with a stop codon.
Molecular consequence: nonsense. On other transcripts: non-coding transcript variant (1).
Genome position (GRCh38, 1-based): chrX:22,227,523-22,227,527, TAAAT duplicated. VCF-style (leftmost placement, unchanged base first): chrX-22227522-A-ATAAAT. GRCh37 (hg19) VCF-style: chrX-22245639-A-ATAAAT.
Other names: c.1982_1986dup, p.Asp663Ter (NM_001282754.2); short protein forms D663*.
Identifiers: ClinVar variation 1068695 (VCV001068695.7), dbSNP rs2147184607, ClinGen allele CA2499226586.